The following is an entry in ClinVar:

NM_032380.5(GFM2):c.2162G>A (p.Arg721His)

Gene: GFM2 (GTP dependent ribosome recycling factor mitochondrial 2; minus strand). Cytogenetic location: 5q13.3.
Variant type: single nucleotide variant.
Coding change: c.2162G>A on transcript NM_032380.5 (MANE Select); coding-DNA position 2162, G replaced by A.
Protein change: p.Arg721His; replaces arginine 721 with histidine.
Molecular consequence: missense variant. On other transcripts: non-coding transcript variant (1).
Genome position (GRCh38, 1-based): chr5:74,722,428, C>T on the plus strand (G>A on the coding strand, the complement: GFM2 is on the minus strand). VCF-style: chr5-74722428-C-T. GRCh37 (hg19) VCF-style: chr5-74018253-C-T.
Other names: c.2258G>A, p.Arg753His (NM_001281302.2); c.2021G>A, p.Arg674His (NM_170691.3); short protein forms R753H, R674H, R721H.
Identifiers: ClinVar variation 2369106 (VCV002369106.3), dbSNP rs1037962828, ClinGen allele CA120908995.

ClinVar aggregate classification (germline): Uncertain significance. Review status: criteria provided, multiple submitters, no conflicts (2 of 4 stars). 2 submissions from 2 submitters: Uncertain significance (2). Last evaluated 2025-10-21.

Conditions:
Inborn genetic diseases. Identifiers: MedGen C0950123, MeSH D030342.

Allele frequency attached by ClinVar (database versions not stated): gnomAD 0.00001; TOPMed 0.00001.
gnomAD v4.1: 23 of 1,613,800 alleles (0.0014%); highest among the groups gnomAD compares: South Asian, 0.0033%; no homozygotes.

Submissions (2):

Labcorp Genetics (formerly Invitae), Labcorp
Classification: Uncertain significance. Last evaluated: 2025-10-21. Review status: criteria provided, single submitter. Criteria: Invitae Variant Classification Sherloc (09022015). Collection method: clinical testing. Allele origin: germline.
Comment: This sequence change replaces arginine, which is basic and polar, with histidine, which is basic and polar, at codon 721 of the GFM2 protein (p.Arg721His). This variant is present in population databases (no rsID available, gnomAD 0.004%). This variant has not been reported in the literature in individuals affected with GFM2-related conditions. ClinVar contains an entry for this variant (Variation ID: 2369106). Invitae Evidence Modeling of protein sequence and biophysical properties (such as structural, functional, and spatial information, amino acid conservation, physicochemical variation, residue mobility, and thermodynamic stability) indicates that this missense variant is not expected to disrupt GFM2 protein function with a negative predictive value of 80%. In summary, the available evidence is currently insufficient to determine the role of this variant in disease. Therefore, it has been classified as a Variant of Uncertain Significance.

Ambry Genetics
Classification: Uncertain significance for Inborn genetic diseases. Last evaluated: 2022-10-03. Review status: criteria provided, single submitter. Criteria: Ambry Variant Classification Scheme 2023. Collection method: clinical testing. Allele origin: germline.